The following is an entry in ClinVar:

NM_000539.3(RHO):c.400G>A (p.Glu134Lys)

Gene: RHO (rhodopsin; plus strand). Cytogenetic location: 3q22.1.
Variant type: single nucleotide variant.
Coding change: c.400G>A on transcript NM_000539.3 (MANE Select); coding-DNA position 400, G replaced by A.
Protein change: p.Glu134Lys; replaces glutamic acid 134 with lysine.
Molecular consequence: missense variant.
Genome position (GRCh38, 1-based): chr3:129,530,914, G>A. VCF-style: chr3-129530914-G-A. GRCh37 (hg19) VCF-style: chr3-129249757-G-A.
Other names: short protein forms E134K.
Identifiers: ClinVar variation 2628032 (VCV002628032.2), dbSNP rs766196737, ClinGen allele CA2607151.
Genomic context (GRCh38, chr3:129,530,914, plus strand): 5'-CCGCCTGCTGACTGCCTTGCAGGTGAAATTGCCCTGTGGTCCTTGGTGGTCCTGGCCATC[G>A]AGCGGTACGTGGTGGTGTGTAAGCCCATGAGCAACTTCCGCTTCGGGGAGAACCATGCCA-3'
Protein context (NP_000530.1, residues 124-144): ALWSLVVLAI[Glu134Lys]RYVVVCKPMS

ClinVar aggregate classification (germline): Likely pathogenic (1 of 4 stars; one submission).

Conditions:
Retinitis pigmentosa 4 (RP4). Also called: RETINITIS PIGMENTOSA, RHODOPSIN-RELATED. Identifiers: Orphanet 791, MedGen C3151001, MONDO:0013395, OMIM 613731.

Allele frequency attached by ClinVar (database versions not stated): gnomAD exomes below 0.00001; ExAC 0.00001; gnomAD 0.00001; TOPMed 0.00001.
gnomAD v4.1: 9 of 1,614,126 alleles (0.00056%); highest among the groups gnomAD compares: African/African-American, 0.0027%; no homozygotes.

Submission:

DBGen Ocular Genomics
Classification: Likely pathogenic for Retinitis pigmentosa 4. Last evaluated: 2021-01-01. Review status: criteria provided, single submitter. Criteria: ACMG Guidelines, 2015. Collection method: clinical testing. Allele origin: unknown. Inheritance: Autosomal dominant inheritance. Affected: yes.
Comment: Class 4 ACMG Guidelines, 2015 (PMID:25741868)